The following is an entry in ClinVar:

ClinVar aggregate classification (germline): Uncertain significance. Review status: criteria provided, multiple submitters, no conflicts (2 of 4 stars). 2 submissions from 2 submitters: Uncertain significance (2). Last evaluated 2024-01-19.

Conditions:
Bethlem myopathy 1A. Also called: Bethlem Muscular Dystrophy; Bethlem myopathy 1; MYOPATHY, BENIGN CONGENITAL, WITH CONTRACTURES. Identifiers: Orphanet 610, MedGen CN029274, MONDO:0024530, OMIM 158810.

Allele frequency attached by ClinVar (database versions not stated): TOPMed below 0.00001; gnomAD 0.00001; gnomAD exomes 0.00001.

Submissions (2):

Labcorp Genetics (formerly Invitae), Labcorp
Classification: Uncertain significance for Bethlem myopathy 1A. Last evaluated: 2024-01-19. Review status: criteria provided, single submitter. Criteria: Invitae Variant Classification Sherloc (09022015). Collection method: clinical testing. Allele origin: germline.
Comment: This sequence change replaces glycine, which is neutral and non-polar, with serine, which is neutral and polar, at codon 421 of the COL6A2 protein (p.Gly421Ser). This variant is present in population databases (no rsID available, gnomAD 0.007%). This variant has not been reported in the literature in individuals affected with COL6A2-related conditions. ClinVar contains an entry for this variant (Variation ID: 598559). Advanced modeling of protein sequence and biophysical properties (such as structural, functional, and spatial information, amino acid conservation, physicochemical variation, residue mobility, and thermodynamic stability) performed at Invitae indicates that this missense variant is expected to disrupt COL6A2 protein function with a positive predictive value of 80%. This variant disrupts the triple helix domain of COL6A2. Glycine residues within the Gly-Xaa-Yaa repeats of the triple helix domain are required for the structure and stability of fibrillar collagens (PMID: 7695699, 8218237, 19344236). In COL6A2, missense variants at these glycine residues are significantly enriched in individuals with autosomal dominant disease (PMID: 15689448, 24038877) compared to the general population (ExAC). In summary, the available evidence is currently insufficient to determine the role of this variant in disease. Therefore, it has been classified as a Variant of Uncertain Significance.

Eurofins Ntd Llc (ga)
Classification: Uncertain significance. Last evaluated: 2018-08-29. Review status: criteria provided, single submitter. Criteria: EGL ClinVar v180209 classification definitions. Collection method: clinical testing. Allele origin: germline. Observed: 1 variant allele, 1 heterozygote.

Literature cited by the submitters: PubMed 7695699 (cited by Labcorp Genetics (formerly Invitae), Labcorp); PubMed 8218237 (cited by Labcorp Genetics (formerly Invitae), Labcorp); PubMed 19344236 (cited by Labcorp Genetics (formerly Invitae), Labcorp); PubMed 15689448 (cited by Labcorp Genetics (formerly Invitae), Labcorp); PubMed 24038877 (cited by Labcorp Genetics (formerly Invitae), Labcorp).

NM_001849.4(COL6A2):c.1261G>A (p.Gly421Ser)

Gene: COL6A2 (collagen type VI alpha 2 chain; plus strand). Cytogenetic location: 21q22.3.
Variant type: single nucleotide variant.
Coding change: c.1261G>A on transcript NM_001849.4 (MANE Select); coding-DNA position 1261, G replaced by A.
Protein change: p.Gly421Ser; replaces glycine 421 with serine.
Molecular consequence: missense variant.
Genome position (GRCh38, 1-based): chr21:46,119,111, G>A. VCF-style: chr21-46119111-G-A. GRCh37 (hg19) VCF-style: chr21-47539025-G-A.
Other names: c.1261G>A, p.Gly421Ser (NM_058174.3, NM_058175.3); short protein forms G421S.
Identifiers: ClinVar variation 598559 (VCV000598559.10), dbSNP rs1328612494, ClinGen allele CA410530033.
Genomic context (GRCh38, chr21:46,119,111, plus strand): 5'-GCCCCAGGAAGTCCTGGTGTGAAAGGAGCCAAGGGCGGGCCTGGGCCCCGCGGACCCAAA[G>A]GCGAGCCGGTGAGTCCCTCCTGCCCCTGCCTCAGGGCCCCGCTCTGGGCATCCTCCTTGC-3'
Protein context (NP_001840.3, residues 411-431): KGGPGPRGPK[Gly421Ser]EPGRRGDPGT